The following is an entry in ClinVar:

NM_001035.3(RYR2):c.1784A>G (p.Lys595Arg)

Gene: RYR2 (ryanodine receptor 2; plus strand). Cytogenetic location: 1q43.
Variant type: single nucleotide variant.
Coding change: c.1784A>G on transcript NM_001035.3 (MANE Select); coding-DNA position 1784, A replaced by G.
Protein change: p.Lys595Arg; replaces lysine 595 with arginine.
Molecular consequence: missense variant.
Genome position (GRCh38, 1-based): chr1:237,491,881, A>G. VCF-style: chr1-237491881-A-G. GRCh37 (hg19) VCF-style: chr1-237655181-A-G.
Other names: c.1784A>G (NM_001035.2); short protein forms K595R.
Identifiers: ClinVar variation 927571 (VCV000927571.13), dbSNP rs1370136013, ClinGen allele CA345388098.

ClinVar aggregate classification (germline): Uncertain significance. Review status: criteria provided, multiple submitters, no conflicts (2 of 4 stars). 4 submissions from 4 submitters: Uncertain significance (4). Last evaluated 2026-01-28.

Conditions:
Cardiomyopathy (CMYO). Also called: Cardiomyopathies. Identifiers: Orphanet 167848, MedGen C0878544, MONDO:0004994, HP:0001638. Inheritance: Various modes of inheritance.
Cardiovascular phenotype. Identifiers: MedGen CN230736.
Catecholaminergic polymorphic ventricular tachycardia (CVPT). Also called: Catecholamine-induced polymorphic ventricular tachycardia. Identifiers: Orphanet 3286, MedGen C5574922, MONDO:0017990.
Catecholaminergic polymorphic ventricular tachycardia 1. Also called: VENTRICULAR TACHYCARDIA, STRESS-INDUCED POLYMORPHIC 1; VENTRICULAR TACHYCARDIA, CATECHOLAMINERGIC POLYMORPHIC, 1, WITH OR WITHOUT ATRIAL DYSFUNCTION AND/OR DILATED CARDIOMYOPATHY; RYR2-Related Catecholaminergic Polymorphic Ventricular Tachycardia. Identifiers: Orphanet 3286, MedGen C1631597, MONDO:0011484, OMIM 604772.

gnomAD v4.1: 2 of 1,451,056 alleles (0.00014%); highest among the groups gnomAD compares: Non-Finnish European, 0.00019%; no homozygotes.

Submissions (4):

Ambry Genetics
Classification: Uncertain significance for Cardiovascular phenotype. Last evaluated: 2026-01-28. Review status: criteria provided, single submitter. Criteria: Ambry Variant Classification Scheme 2023. Collection method: clinical testing. Allele origin: germline.
Comment: The p.K595R variant (also known as c.1784A>G), located in coding exon 18 of the RYR2 gene, results from an A to G substitution at nucleotide position 1784. The lysine at codon 595 is replaced by arginine, an amino acid with highly similar properties. This amino acid position is well conserved in available vertebrate species. In addition, the in silico prediction for this alteration is inconclusive. Based on the available evidence, the clinical significance of this variant remains unclear.

Color Diagnostics, LLC DBA Color Health
Classification: Uncertain significance for Cardiomyopathy. Last evaluated: 2025-06-19. Review status: criteria provided, single submitter. Criteria: ACMG Guidelines, 2015. Collection method: clinical testing. Allele origin: germline.
Comment: This missense variant replaces lysine with arginine at codon 595 of the RYR2 protein. Computational prediction tool is inconclusive regarding the impact of this variant on protein structure and function. To our knowledge, functional studies have not been reported for this variant. This variant has not been reported in individuals affected with RYR2-related disorders in the literature. This variant has not been identified in the general population by the Genome Aggregation Database (gnomAD). The available evidence is insufficient to determine the role of this variant in disease conclusively. Therefore, this variant is classified as a Variant of Uncertain Significance.

Labcorp Genetics (formerly Invitae), Labcorp
Classification: Uncertain significance for Catecholaminergic polymorphic ventricular tachycardia 1. Last evaluated: 2025-04-07. Review status: criteria provided, single submitter. Criteria: Invitae Variant Classification Sherloc (09022015). Collection method: clinical testing. Allele origin: germline.
Comment: This sequence change replaces lysine, which is basic and polar, with arginine, which is basic and polar, at codon 595 of the RYR2 protein (p.Lys595Arg). This variant is not present in population databases (gnomAD no frequency). This variant has not been reported in the literature in individuals affected with RYR2-related conditions. ClinVar contains an entry for this variant (Variation ID: 927571). Invitae Evidence Modeling of protein sequence and biophysical properties (such as structural, functional, and spatial information, amino acid conservation, physicochemical variation, residue mobility, and thermodynamic stability) indicates that this missense variant is not expected to disrupt RYR2 protein function with a negative predictive value of 95%. In summary, the available evidence is currently insufficient to determine the role of this variant in disease. Therefore, it has been classified as a Variant of Uncertain Significance.

All of Us Research Program, National Institutes of Health
Classification: Uncertain significance for Catecholaminergic polymorphic ventricular tachycardia. Last evaluated: 2023-08-15. Review status: criteria provided, single submitter. Criteria: ACMG Guidelines, 2015. Collection method: clinical testing. Allele origin: germline. Inheritance: Autosomal dominant inheritance. Observed: 2 variant alleles, 2 heterozygotes.
Comment: This missense variant replaces lysine with arginine at codon 595 of the RYR2 protein. Computational prediction is inconclusive regarding the impact of this variant on protein structure and function (internally defined REVEL score threshold 0.5 < inconclusive < 0.7, PMID: 27666373). To our knowledge, functional studies have not been reported for this variant. This variant has not been reported in individuals affected with RYR2-related disorders in the literature. This variant has not been identified in the general population by the Genome Aggregation Database (gnomAD). The available evidence is insufficient to determine the role of this variant in disease conclusively. Therefore, this variant is classified as a Variant of Uncertain Significance.

This study involves interpretation of variants in research participants for the purpose of population health screening. Participant phenotype was not available at the time of variant classification. Additional details can be found in publication PMID: 35346344, PMCID: PMC8962531